The following is an entry in ClinVar:

ClinVar aggregate classification (germline): Likely benign (1 of 4 stars; one submission).

Allele frequency attached by ClinVar (database versions not stated): gnomAD exomes below 0.00001.
gnomAD v4.1: 3 of 1,609,246 alleles (0.00019%); highest among the groups gnomAD compares: Non-Finnish European, 0.00017%; no homozygotes.

Submission:

GeneDx
Classification: Likely benign. Last evaluated: 2016-02-15. Review status: criteria provided, single submitter. Criteria: GeneDx Variant Classification (06012015). Collection method: clinical testing. Allele origin: germline. Affected: yes.
Comment: This variant is considered likely benign or benign based on one or more of the following criteria: it is a conservative change, it occurs at a poorly conserved position in the protein, it is predicted to be benign by multiple in silico algorithms, and/or has population frequency not consistent with disease.

NM_002838.5(PTPRC):c.2066-14T>C

Gene: PTPRC (protein tyrosine phosphatase receptor type C; plus strand). Cytogenetic location: 1q32.1.
Variant type: single nucleotide variant.
Coding change: c.2066-14T>C on transcript NM_002838.5 (MANE Select); 14 bases into the intron before coding-DNA position 2066, T replaced by C.
Molecular consequence: intron variant.
Genome position (GRCh38, 1-based): chr1:198,732,466, T>C. VCF-style: chr1-198732466-T-C. GRCh37 (hg19) VCF-style: chr1-198701595-T-C.
Other names: c.1583-14T>C (NM_080921.4).
Identifiers: ClinVar variation 383815 (VCV000383815.1), dbSNP rs1057521744, ClinGen allele CA16603508.